The following is an entry in ClinVar:

ClinVar aggregate classification (germline): Pathogenic. Review status: criteria provided, multiple submitters, no conflicts (2 of 4 stars). 2 submissions from 2 submitters: Pathogenic (2). Last evaluated 2025-01-01.

Allele frequency attached by ClinVar (database versions not stated): gnomAD exomes 0.00002; gnomAD 0.00003; TOPMed 0.00003; 1000 Genomes Project 0.00020; 1000 Genomes Project 30x 0.00031.

Submissions (2):

CeGaT Center for Human Genetics Tuebingen
Classification: Pathogenic. Last evaluated: 2025-01-01. Review status: criteria provided, single submitter. Criteria: CeGaT Center For Human Genetics Tuebingen Variant Classification Criteria Version 2. Collection method: clinical testing. Allele origin: germline. Affected: yes. Observed: 1 variant allele.
Comment: NDUFS1: PVS1, PM2

Labcorp Genetics (formerly Invitae), Labcorp
Classification: Pathogenic. Last evaluated: 2022-08-13. Review status: criteria provided, single submitter. Criteria: Invitae Variant Classification Sherloc (09022015). Collection method: clinical testing. Allele origin: germline.
Comment: This sequence change creates a premature translational stop signal (p.Arg419*) in the NDUFS1 gene. It is expected to result in an absent or disrupted protein product. Loss-of-function variants in NDUFS1 are known to be pathogenic (PMID: 11349233, 22200994). This variant is present in population databases (rs186057450, gnomAD 0.02%). This variant has not been reported in the literature in individuals affected with NDUFS1-related conditions. Algorithms developed to predict the effect of sequence changes on RNA splicing suggest that this variant may create or strengthen a splice site. For these reasons, this variant has been classified as Pathogenic.

Literature cited by the submitters: PubMed 11349233 (cited by Labcorp Genetics (formerly Invitae), Labcorp); PubMed 22200994 (cited by Labcorp Genetics (formerly Invitae), Labcorp).

NM_005006.7(NDUFS1):c.1255C>T (p.Arg419Ter)

Gene: NDUFS1 (NADH:ubiquinone oxidoreductase core subunit S1; minus strand). Cytogenetic location: 2q33.3.
Variant type: single nucleotide variant.
Coding change: c.1255C>T on transcript NM_005006.7 (MANE Select); coding-DNA position 1255, C replaced by T.
Protein change: p.Arg419Ter; replaces arginine 419 with a stop codon.
Molecular consequence: nonsense.
Genome position (GRCh38, 1-based): chr2:206,141,948, G>A on the plus strand (C>T on the coding strand, the complement: NDUFS1 is on the minus strand). VCF-style: chr2-206141948-G-A. GRCh37 (hg19) VCF-style: chr2-207006672-G-A.
Other names: c.1147C>T, p.Arg383Ter (NM_001199981.2); c.922C>T, p.Arg308Ter (NM_001199982.2); c.1084C>T, p.Arg362Ter (NM_001199983.2); c.1297C>T, p.Arg433Ter (NM_001199984.2); short protein forms R308*, R419*, R433*, R383*, R362*.
Identifiers: ClinVar variation 2049239 (VCV002049239.17), dbSNP rs186057450, ClinGen allele CA2070517.